The following is an entry in ClinVar:

NM_080425.4(GNAS):c.1778A>C (p.Gln593Pro)

Gene: GNAS (GNAS complex locus; plus strand). Cytogenetic location: 20q13.32.
Variant type: single nucleotide variant.
Coding change: c.1778A>C on transcript NM_080425.4 (MANE Plus Clinical); coding-DNA position 1778, A replaced by C.
Protein change: p.Gln593Pro; replaces glutamine 593 with proline.
Molecular consequence: missense variant. On other transcripts: intron variant (3).
Genome position (GRCh38, 1-based): chr20:58,855,043, A>C. VCF-style: chr20-58855043-A-C. GRCh37 (hg19) VCF-style: chr20-57430098-A-C.
Other names: c.1591A>C, p.Ser531Arg (NM_001077490.3, NM_001309883.1); c.1778A>C, p.Gln593Pro (NM_001410913.1); c.*42+14157A>C (NM_016592.5); c.43+14157A>C (NM_001410912.1); c.-39+13168A>C (NM_001309861.2); short protein forms S531R, Q593P.
Identifiers: ClinVar variation 4985432 (VCV004985432.1).

ClinVar aggregate classification (germline): Uncertain significance (1 of 4 stars; one submission).

Conditions:
GNAS-related disorder. Identifiers: MedGen CN380105.

gnomAD v4.1: 1 of 1,612,990 alleles (0.000062%); highest among the groups gnomAD compares: Admixed American, 0.0017%; no homozygotes.

Submission:

PreventionGenetics, part of Exact Sciences
Classification: Uncertain significance for GNAS-related condition. Last evaluated: 2025-09-11. Review status: criteria provided, single submitter. Criteria: ACMG Guidelines, 2015. Collection method: clinical testing. Allele origin: germline.
Comment: The GNAS c.1778A>C variant is predicted to result in the amino acid substitution p.Gln593Pro. This variant corresponds to a pre-coding position in the primary transcript for this gene (NM_000516.7:c.-36684A>C). To our knowledge, this variant has not been reported in the literature. This variant is reported in 0.0029% of alleles in individuals of Latino descent in gnomAD. At this time, the clinical significance of this variant is uncertain due to the absence of conclusive functional and genetic evidence.